The following is an entry in ClinVar:

ClinVar aggregate classification (germline): Uncertain significance. Review status: criteria provided, multiple submitters, no conflicts (2 of 4 stars). 3 submissions from 3 submitters: Uncertain significance (3). Last evaluated 2026-06-13.

Conditions:
Inborn genetic diseases. Identifiers: MedGen C0950123, MeSH D030342.
Cohen syndrome (COH1). Also called: PEPPER SYNDROME; Cutis verticis gyrata, retinitis pigmentosa, and sensorineural deafness. Identifiers: Orphanet 193, MedGen C0265223, MONDO:0008999, OMIM 216550.
VPS13B-related disorder. Also called: VPS13B-related condition.

Allele frequency attached by ClinVar (database versions not stated): ExAC 0.00001; gnomAD 0.00001; TOPMed 0.00001; ESP Exome Variant Server 0.00008.
gnomAD v4.1: 2 of 1,612,868 alleles (0.00012%); highest among the groups gnomAD compares: Admixed American, 0.0017%; no homozygotes.

Submissions (3):

PreventionGenetics, part of Exact Sciences
Classification: Uncertain significance for VPS13B-related condition. Last evaluated: 2026-06-13. Review status: criteria provided, single submitter. Criteria: ACMG Guidelines, 2015. Collection method: clinical testing. Allele origin: germline.
Comment: The VPS13B c.2924A>G variant is predicted to result in the amino acid substitution p.His975Arg. To our knowledge, this variant has not been reported in the literature. This variant is reported in 0.12% of alleles in individuals of Latino descent in gnomAD. Although we suspect that this variant may be benign, at this time, the clinical significance of this variant is uncertain due to the absence of conclusive functional and genetic evidence.

Ambry Genetics
Classification: Uncertain significance for Inborn genetic diseases. Last evaluated: 2025-07-07. Review status: criteria provided, single submitter. Criteria: Ambry Variant Classification Scheme 2023. Collection method: clinical testing. Allele origin: germline.

Labcorp Genetics (formerly Invitae), Labcorp
Classification: Uncertain significance for Cohen syndrome. Last evaluated: 2024-02-24. Review status: criteria provided, single submitter. Criteria: Invitae Variant Classification Sherloc (09022015). Collection method: clinical testing. Allele origin: germline.
Comment: This sequence change replaces histidine with arginine at codon 975 of the VPS13B protein (p.His975Arg). The histidine residue is weakly conserved and there is a small physicochemical difference between histidine and arginine. This variant is present in population databases (rs376049764, gnomAD 0.003%). This variant has not been reported in the literature in individuals affected with VPS13B-related conditions. ClinVar contains an entry for this variant (Variation ID: 1446907). Advanced modeling of protein sequence and biophysical properties (such as structural, functional, and spatial information, amino acid conservation, physicochemical variation, residue mobility, and thermodynamic stability) performed at Invitae indicates that this missense variant is not expected to disrupt VPS13B protein function with a negative predictive value of 80%. In summary, the available evidence is currently insufficient to determine the role of this variant in disease. Therefore, it has been classified as a Variant of Uncertain Significance.

NM_152564.5(VPS13B):c.2924A>G (p.His975Arg)

Gene: VPS13B (vacuolar protein sorting 13 homolog B; plus strand). Cytogenetic location: 8q22.2.
Variant type: single nucleotide variant.
Coding change: c.2924A>G on transcript NM_152564.5 (MANE Select); coding-DNA position 2924, A replaced by G.
Protein change: p.His975Arg; replaces histidine 975 with arginine.
Molecular consequence: missense variant.
Genome position (GRCh38, 1-based): chr8:99,384,307, A>G. VCF-style: chr8-99384307-A-G. GRCh37 (hg19) VCF-style: chr8-100396535-A-G.
Other names: c.2924A>G, p.His975Arg (NM_017890.5); c.2924A>G (NM_152564.4, NM_017890.3); short protein forms H975R.
Identifiers: ClinVar variation 1446907 (VCV001446907.7), dbSNP rs376049764, ClinGen allele CA4823090.